The following is an entry in ClinVar:

NM_000465.4(BARD1):c.1690C>G (p.Gln564Glu)

Gene: BARD1 (BRCA1 associated RING domain 1; minus strand). Cytogenetic location: 2q35.
Variant type: single nucleotide variant.
Coding change: c.1690C>G on transcript NM_000465.4 (MANE Select); coding-DNA position 1690, C replaced by G.
Protein change: p.Gln564Glu; replaces glutamine 564 with glutamic acid.
Molecular consequence: missense variant. On other transcripts: non-coding transcript variant (3), intron variant (1).
Genome position (GRCh38, 1-based): chr2:214,745,842, G>C on the plus strand (C>G on the coding strand, the complement: BARD1 is on the minus strand). VCF-style: chr2-214745842-G-C. GRCh37 (hg19) VCF-style: chr2-215610566-G-C.
Other names: c.1633C>G, p.Gln545Glu (NM_001282543.2); c.337C>G, p.Gln113Glu (NM_001282545.2); c.280C>G, p.Gln94Glu (NM_001282548.2); c.365-15334C>G (NM_001282549.2); short protein forms Q113E, Q545E, Q564E, Q94E.
Identifiers: ClinVar variation 819855 (VCV000819855.18), dbSNP rs587780021, ClinGen allele CA350453298.

ClinVar aggregate classification (germline): Uncertain significance. Review status: criteria provided, multiple submitters, no conflicts (2 of 4 stars). 4 submissions from 4 submitters: Uncertain significance (4). Last evaluated 2025-06-12.

Conditions:
Hereditary cancer-predisposing syndrome. Also called: Neoplastic Syndromes, Hereditary; Tumor predisposition; Hereditary Cancer Syndrome; Hereditary neoplastic syndrome. Identifiers: Orphanet 140162, MedGen C0027672, MeSH D009386, MONDO:0015356.
Familial cancer of breast. Also called: BREAST CANCER, FAMILIAL; Hereditary breast cancer; hereditary breast carcinoma. Identifiers: Orphanet 227535, MedGen C0346153, MONDO:0016419, OMIM 114480. Disease mechanism: loss of function.

gnomAD v4.1: 1 of 1,613,942 alleles (0.000062%); highest among the groups gnomAD compares: Non-Finnish European, 0.000085%; no homozygotes.

Submissions (4):

Ambry Genetics
Classification: Uncertain significance for Hereditary cancer-predisposing syndrome. Last evaluated: 2025-06-12. Review status: criteria provided, single submitter. Criteria: Ambry Variant Classification Scheme 2023. Collection method: clinical testing. Allele origin: germline.
Comment: The p.Q564E variant (also known as c.1690C>G), located in coding exon 8 of the BARD1 gene, results from a C to G substitution at nucleotide position 1690. The glutamine at codon 564 is replaced by glutamic acid, an amino acid with highly similar properties. This amino acid position is well conserved in available vertebrate species. In addition, the in silico prediction for this alteration is inconclusive. Since supporting evidence is limited at this time, the clinical significance of this alteration remains unclear.

Labcorp Genetics (formerly Invitae), Labcorp
Classification: Uncertain significance for Familial cancer of breast. Last evaluated: 2024-04-29. Review status: criteria provided, single submitter. Criteria: Invitae Variant Classification Sherloc (09022015). Collection method: clinical testing. Allele origin: germline.
Comment: This sequence change replaces glutamine, which is neutral and polar, with glutamic acid, which is acidic and polar, at codon 564 of the BARD1 protein (p.Gln564Glu). This variant is not present in population databases (gnomAD no frequency). This variant has not been reported in the literature in individuals affected with BARD1-related conditions. ClinVar contains an entry for this variant (Variation ID: 819855). An algorithm developed to predict the effect of missense changes on protein structure and function (PolyPhen-2) suggests that this variant is likely to be tolerated. In summary, the available evidence is currently insufficient to determine the role of this variant in disease. Therefore, it has been classified as a Variant of Uncertain Significance.

Sema4
Classification: Uncertain significance for Hereditary cancer-predisposing syndrome. Last evaluated: 2022-02-10. Review status: criteria provided, single submitter. Criteria: Sema4 Curation Guidelines. Collection method: curation. Allele origin: germline.
Comment: The BARD1 c.1690C>G (p.Q564E) variant has been reported in heterozygosity in at least one individual with breast cancer (PMID: 33471991). This variant is not reported in the population database Genome Aggregation Database (PMID: 32461654), but has been reported in ClinVar (Variation ID: 819855). Functional studies have not been performed, and in silico predictions of the variant's effect on protein function are inconclusive. The evidence is insufficient to meet ACMG/AMP criteria for classifying the variant as benign or pathogenic. Thus, the clinical significance of this variant is currently uncertain.

Color Diagnostics, LLC DBA Color Health
Classification: Uncertain significance for Hereditary cancer-predisposing syndrome. Last evaluated: 2019-06-05. Review status: criteria provided, single submitter. Criteria: ACMG Guidelines, 2015. Collection method: clinical testing. Allele origin: germline.

Literature cited by the submitters: PubMed 33471991 (cited by Sema4).